The following is an entry in ClinVar:

ClinVar aggregate classification (germline): Uncertain significance (1 of 4 stars; one submission).

Conditions:
Spondyloepiphyseal dysplasia with congenital joint dislocations (SEDCJD). Also called: Chondrodysplasia with Congenital Joint Dislocations, CHST3-Related. Identifiers: Orphanet 263463, MedGen C1837657, MONDO:0007738, OMIM 143095.

Allele frequency attached by ClinVar (database versions not stated): TOPMed 0.00009; 1000 Genomes Project 30x 0.00031; 1000 Genomes Project 0.00040; ExAC 0.00004; ESP Exome Variant Server 0.00008; gnomAD 0.00009.
gnomAD v4.1: 29 of 1,611,404 alleles (0.0018%); highest among the groups gnomAD compares: African/African-American, 0.023%; no homozygotes.

Submission:

Labcorp Genetics (formerly Invitae), Labcorp
Classification: Uncertain significance for Spondyloepiphyseal dysplasia with congenital joint dislocations. Last evaluated: 2026-01-14. Review status: criteria provided, single submitter. Criteria: Invitae Variant Classification Sherloc (09022015). Collection method: clinical testing. Allele origin: germline.
Comment: This sequence change replaces leucine, which is neutral and non-polar, with serine, which is neutral and polar, at codon 99 of the CHST3 protein (p.Leu99Ser). This variant is present in population databases (rs144218298, gnomAD 0.03%). This variant has not been reported in the literature in individuals affected with CHST3-related conditions. ClinVar contains an entry for this variant (Variation ID: 2174485). Invitae Evidence Modeling of protein sequence and biophysical properties (such as structural, functional, and spatial information, amino acid conservation, physicochemical variation, residue mobility, and thermodynamic stability) indicates that this missense variant is not expected to disrupt CHST3 protein function with a negative predictive value of 95%. In summary, the available evidence is currently insufficient to determine the role of this variant in disease. Therefore, it has been classified as a Variant of Uncertain Significance.

NM_004273.5(CHST3):c.296T>C (p.Leu99Ser)

Gene: CHST3 (carbohydrate sulfotransferase 3; plus strand). Cytogenetic location: 10q22.1.
Variant type: single nucleotide variant.
Coding change: c.296T>C on transcript NM_004273.5 (MANE Select); coding-DNA position 296, T replaced by C.
Protein change: p.Leu99Ser; replaces leucine 99 with serine.
Molecular consequence: missense variant.
Genome position (GRCh38, 1-based): chr10:72,007,327, T>C. VCF-style: chr10-72007327-T-C. GRCh37 (hg19) VCF-style: chr10-73767085-T-C.
Other names: short protein forms L99S.
Identifiers: ClinVar variation 2174485 (VCV002174485.4), dbSNP rs144218298, ClinGen allele CA5548055.